The following is an entry in ClinVar:

NM_014855.3(AP5Z1):c.1509_1595+26del

Gene: AP5Z1 (adaptor related protein complex 5 subunit zeta 1; plus strand). Cytogenetic location: 7p22.1.
Variant type: Deletion.
Coding change: c.1509_1595+26del on transcript NM_014855.3 (MANE Select); coding-DNA position 1509 through 26 bases into the intron after coding-DNA position 1595, 113 bases deleted.
Molecular consequence: splice donor variant.
Genome position (GRCh38, 1-based): chr7:4,788,208-4,788,320, 113 bases deleted. GRCh37 (hg19): chr7:4,827,839-4,827,951.
Other names: c.1041_1127+26del (NM_001364858.1).
Identifiers: ClinVar variation 2853414 (VCV002853414.3), dbSNP rs2534064900, ClinGen allele CA1097823897.

ClinVar aggregate classification (germline): Likely pathogenic (1 of 4 stars; one submission).

Conditions:
Hereditary spastic paraplegia 48. Also called: SPASTIC PARAPLEGIA 48, AUTOSOMAL RECESSIVE; Spastic paraplegia 48. Identifiers: Orphanet 306511, MedGen C3150901, MONDO:0013342, OMIM 613647.

Submission:

Labcorp Genetics (formerly Invitae), Labcorp
Classification: Likely pathogenic for Hereditary spastic paraplegia 48. Last evaluated: 2025-03-05. Review status: criteria provided, single submitter. Criteria: Invitae Variant Classification Sherloc (09022015). Collection method: clinical testing. Allele origin: germline.
Comment: This variant results in the deletion of part of exon 12 (c.1509_1595+26del) of the AP5Z1 gene. It is expected to disrupt RNA splicing. Variants that disrupt the donor or acceptor splice site typically lead to a loss of protein function (PMID: 16199547), and loss-of-function variants in AP5Z1 are known to be pathogenic (PMID: 20613862, 27606357). This variant is not present in population databases (gnomAD no frequency). This variant has not been reported in the literature in individuals affected with AP5Z1-related conditions. ClinVar contains an entry for this variant (Variation ID: 2853414). In summary, the currently available evidence indicates that the variant is pathogenic, but additional data are needed to prove that conclusively. Therefore, this variant has been classified as Likely Pathogenic.

Literature cited by the submitters: PubMed 16199547; PubMed 20613862; PubMed 27606357.